The following is an entry in ClinVar:

ClinVar aggregate classification (germline): Benign (1 of 4 stars; one submission).

Allele frequency attached by ClinVar (database versions not stated): gnomAD 0.00565; gnomAD exomes 0.00883; 1000 Genomes Project 0.00300; ExAC 0.00306; 1000 Genomes Project 30x 0.00328; TOPMed 0.00541.
gnomAD v4.1: 12,968 of 1,535,702 alleles (0.84%); highest among the groups gnomAD compares: Non-Finnish European, 1%; 69 homozygotes.

Submission:

CeGaT Center for Human Genetics Tuebingen
Classification: Benign. Last evaluated: 2026-09-01. Review status: criteria provided, single submitter. Criteria: CeGaT Center For Human Genetics Tuebingen Variant Classification Criteria Version 2. Collection method: clinical testing. Allele origin: germline. Affected: yes. Observed: 8 variant alleles.
Comment: SMIM18: BS1, BS2

NM_001206847.2(SMIM18):c.149T>C (p.Val50Ala)

Genes: GTF2E2 (general transcription factor IIE subunit 2; minus strand), SMIM18 (small integral membrane protein 18; plus strand). Cytogenetic location: 8p12.
Variant type: single nucleotide variant.
Coding change: c.149T>C on transcript NM_001206847.2 (MANE Select); coding-DNA position 149, T replaced by C.
Protein change: p.Val50Ala; replaces valine 50 with alanine.
Molecular consequence: missense variant. On other transcripts: intron variant (2).
Genome position (GRCh38, 1-based): chr8:30,645,458, T>C. VCF-style: chr8-30645458-T-C. GRCh37 (hg19) VCF-style: chr8-30502975-T-C.
Other names: c.166+7975A>G (NM_002095.6, NM_001348353.1); short protein forms V50A.
Identifiers: ClinVar variation 2658515 (VCV002658515.24), dbSNP rs188901748, ClinGen allele CA4701072.